The following is an entry in ClinVar:

ClinVar aggregate classification (germline): Uncertain significance. Review status: criteria provided, multiple submitters, no conflicts (2 of 4 stars). 4 submissions from 4 submitters: Uncertain significance (4). Last evaluated 2026-05-06.

Conditions:
Inborn genetic diseases. Identifiers: MedGen C0950123, MeSH D030342.

Allele frequency attached by ClinVar (database versions not stated): gnomAD 0.00003; ExAC 0.00005; TOPMed 0.00010; gnomAD exomes 0.00002; ESP Exome Variant Server 0.00009.
gnomAD v4.1: 25 of 1,549,720 alleles (0.0016%); highest among the groups gnomAD compares: Middle Eastern, 0.019%; no homozygotes.

Submissions (4):

Women's Health and Genetics/Laboratory Corporation of America, LabCorp
Classification: Uncertain significance. Last evaluated: 2026-05-06. Review status: criteria provided, single submitter. Criteria: LabCorp Variant Classification Summary - May 2015. Collection method: clinical testing. Allele origin: germline.
Comment: Variant summary: FGFR3 c.1283A>G (p.Asn428Ser) results in a conservative amino acid change in the encoded protein sequence. Algorithms developed to predict the effect of missense changes on protein structure and function are either unavailable or do not agree on the potential impact of this missense change. The variant allele was found at a frequency of 1.9e-05 in 156264 control chromosomes. The available data on variant occurrences in the general population are insufficient to allow any conclusion about variant significance. To our knowledge, no occurrence of c.1283A>G in individuals affected with FGFR3-related conditions and no experimental evidence demonstrating its impact on protein function have been reported. ClinVar contains an entry for this variant (Variation ID: 1679482). Based on the evidence outlined above, the variant was classified as uncertain significance.

Labcorp Genetics (formerly Invitae), Labcorp
Classification: Uncertain significance. Last evaluated: 2024-06-17. Review status: criteria provided, single submitter. Criteria: Invitae Variant Classification Sherloc (09022015). Collection method: clinical testing. Allele origin: germline.
Comment: This sequence change replaces asparagine, which is neutral and polar, with serine, which is neutral and polar, at codon 428 of the FGFR3 protein (p.Asn428Ser). This variant is present in population databases (rs138986264, gnomAD 0.004%). This variant has not been reported in the literature in individuals affected with FGFR3-related conditions. ClinVar contains an entry for this variant (Variation ID: 1679482). Advanced modeling of protein sequence and biophysical properties (such as structural, functional, and spatial information, amino acid conservation, physicochemical variation, residue mobility, and thermodynamic stability) performed at Invitae indicates that this missense variant is not expected to disrupt FGFR3 protein function with a negative predictive value of 95%. In summary, the available evidence is currently insufficient to determine the role of this variant in disease. Therefore, it has been classified as a Variant of Uncertain Significance.

ARUP Laboratories, Molecular Genetics and Genomics, ARUP Laboratories
Classification: Uncertain significance. Last evaluated: 2022-01-31. Review status: criteria provided, single submitter. Criteria: ARUP Molecular Germline Variant Investigation Process 2021. Collection method: clinical testing. Allele origin: germline.
Comment: The FGFR3 c.1283A>G; p.Asn428Ser variant (rs138986264), to our knowledge, is not reported in the medical literature or gene specific databases. This variant is only observed on three alleles in the Genome Aggregation Database, indicating it is not a common polymorphism. The asparagine at codon 428 is moderately conserved, and computational analyses are uncertain whether this variant is neutral or deleterious (REVEL: 0.225). Due to limited information, the clinical significance of this variant is uncertain at this time.

Ambry Genetics
Classification: Uncertain significance for Inborn genetic diseases. Last evaluated: 2020-11-09. Review status: criteria provided, single submitter. Criteria: Ambry Variant Classification Scheme 2023. Collection method: clinical testing. Allele origin: germline.
Comment: The c.1283A>G (p.N428S) alteration is located in exon 10 (coding exon 9) of the FGFR3 gene. This alteration results from an A to G substitution at nucleotide position 1283, causing the asparagine (N) at amino acid position 428 to be replaced by a serine (S). Based on data from the Genome Aggregation Database (gnomAD) database, the FGFR3 c.1283A>G alteration was observed in <0.01% (3/156264) of total alleles studied. This amino acid position is not well conserved in available vertebrate species. Based on insufficient or conflicting evidence, the clinical significance of this alteration remains unclear.

NM_000142.5(FGFR3):c.1283A>G (p.Asn428Ser)

Gene: FGFR3 (fibroblast growth factor receptor 3; plus strand). Cytogenetic location: 4p16.3.
Variant type: single nucleotide variant.
Coding change: c.1283A>G on transcript NM_000142.5 (MANE Select); coding-DNA position 1283, A replaced by G.
Protein change: p.Asn428Ser; replaces asparagine 428 with serine.
Molecular consequence: missense variant. On other transcripts: non-coding transcript variant (1).
Genome position (GRCh38, 1-based): chr4:1,804,840, A>G. VCF-style: chr4-1804840-A-G. GRCh37 (hg19) VCF-style: chr4-1806567-A-G.
Other names: c.1289A>G, p.Asn430Ser (NM_001163213.2); c.1286A>G, p.Asn429Ser (NM_001354809.2, NM_001354810.2); c.947A>G, p.Asn316Ser (NM_022965.4); c.1283A>G (NM_000142.4); short protein forms N316S, N428S, N429S, N430S.
Identifiers: ClinVar variation 1679482 (VCV001679482.14), dbSNP rs138986264, ClinGen allele CA2810359.